The following is an entry in ClinVar:

NM_005630.3(SLCO2A1):c.1291C>G (p.Pro431Ala)

Gene: SLCO2A1 (solute carrier organic anion transporter family member 2A1; minus strand). Cytogenetic location: 3q22.1.
Variant type: single nucleotide variant.
Coding change: c.1291C>G on transcript NM_005630.3 (MANE Select); coding-DNA position 1291, C replaced by G.
Protein change: p.Pro431Ala; replaces proline 431 with alanine.
Molecular consequence: missense variant.
Genome position (GRCh38, 1-based): chr3:133,947,260, G>C on the plus strand (C>G on the coding strand, the complement: SLCO2A1 is on the minus strand). VCF-style: chr3-133947260-G-C. GRCh37 (hg19) VCF-style: chr3-133666104-G-C.
Other names: short protein forms P431A.
Identifiers: ClinVar variation 1446983 (VCV001446983.6), dbSNP rs146195307, ClinGen allele CA2626523.

ClinVar aggregate classification (germline): Uncertain significance (1 of 4 stars; one submission).

Allele frequency attached by ClinVar (database versions not stated): 1000 Genomes Project 0.00060; 1000 Genomes Project 30x 0.00062.
gnomAD v4.1: 135 of 1,613,846 alleles (0.0084%); highest among the groups gnomAD compares: East Asian, 0.027%; no homozygotes.

Submission:

Labcorp Genetics (formerly Invitae), Labcorp
Classification: Uncertain significance. Last evaluated: 2024-12-02. Review status: criteria provided, single submitter. Criteria: Invitae Variant Classification Sherloc (09022015). Collection method: clinical testing. Allele origin: germline.
Comment: This sequence change replaces proline, which is neutral and non-polar, with alanine, which is neutral and non-polar, at codon 431 of the SLCO2A1 protein (p.Pro431Ala). This variant is present in population databases (rs146195307, gnomAD 0.04%). This variant has not been reported in the literature in individuals affected with SLCO2A1-related conditions. ClinVar contains an entry for this variant (Variation ID: 1446983). Invitae Evidence Modeling of protein sequence and biophysical properties (such as structural, functional, and spatial information, amino acid conservation, physicochemical variation, residue mobility, and thermodynamic stability) indicates that this missense variant is not expected to disrupt SLCO2A1 protein function with a negative predictive value of 95%. In summary, the available evidence is currently insufficient to determine the role of this variant in disease. Therefore, it has been classified as a Variant of Uncertain Significance.